The following is an entry in ClinVar:

NM_004638.4(PRRC2A):c.5856C>G (p.Ser1952=)

Gene: PRRC2A (proline rich coiled-coil 2A; plus strand). Cytogenetic location: 6p21.33.
Variant type: single nucleotide variant.
Coding change: c.5856C>G on transcript NM_004638.4 (MANE Select); coding-DNA position 5856, C replaced by G.
Protein change: p.Ser1952=; no amino-acid change (serine 1952 retained).
Molecular consequence: synonymous variant.
Genome position (GRCh38, 1-based): chr6:31,636,530, C>G. VCF-style: chr6-31636530-C-G. GRCh37 (hg19) VCF-style: chr6-31604307-C-G.
Other names: c.5856C>G, p.Ser1952= (NM_080686.3).
Identifiers: ClinVar variation 3053226 (VCV003053226.2), dbSNP rs769958324, ClinGen allele CA3716668.

ClinVar aggregate classification (germline): Likely benign (0 of 4 stars; one submission).

Conditions:
PRRC2A-related disorder. Also called: PRRC2A-related condition.

Allele frequency attached by ClinVar (database versions not stated): ExAC 0.00002.
gnomAD v4.1: 1 of 1,609,288 alleles (0.000062%); no homozygotes.

Submission:

PreventionGenetics, part of Exact Sciences
Classification: Likely benign for PRRC2A-related condition. Last evaluated: 2019-02-26. Review status: no assertion criteria provided. Collection method: clinical testing. Allele origin: germline.
Comment: This variant is classified as likely benign based on ACMG/AMP sequence variant interpretation guidelines (Richards et al. 2015 PMID: 25741868, with internal and published modifications).